The following is an entry in ClinVar:

ClinVar aggregate classification (germline): Uncertain significance (1 of 4 stars; one submission).

Conditions:
Primary familial hypertrophic cardiomyopathy (HCM). Identifiers: Orphanet 99739, MedGen C0949658, MeSH D024741, MONDO:0024573. Inheritance: Various modes of inheritance.
Dilated cardiomyopathy 1AA (CMD1AA). Also called: CARDIOMYOPATHY, DILATED, 1AA, WITH OR WITHOUT LEFT VENTRICULAR NONCOMPACTION; CARDIOMYOPATHY, FAMILIAL HYPERTROPHIC, 23, WITH OR WITHOUT LEFT VENTRICULAR NONCOMPACTION; Cardiomyopathy, dilated, 1AA, with or without LVNC. Identifiers: Orphanet 154, MedGen C2677338, MONDO:0012808, OMIM 612158.

Submission:

Labcorp Genetics (formerly Invitae), Labcorp
Classification: Uncertain significance for Primary familial hypertrophic cardiomyopathy; Dilated cardiomyopathy 1AA. Last evaluated: 2024-03-16. Review status: criteria provided, single submitter. Criteria: Invitae Variant Classification Sherloc (09022015). Collection method: clinical testing. Allele origin: germline.
Comment: This sequence change replaces tyrosine, which is neutral and polar, with serine, which is neutral and polar, at codon 681 of the ACTN2 protein (p.Tyr681Ser). This variant is not present in population databases (gnomAD no frequency). This variant has not been reported in the literature in individuals affected with ACTN2-related conditions. Advanced modeling of protein sequence and biophysical properties (such as structural, functional, and spatial information, amino acid conservation, physicochemical variation, residue mobility, and thermodynamic stability) performed at Invitae indicates that this missense variant is not expected to disrupt ACTN2 protein function with a negative predictive value of 80%. In summary, the available evidence is currently insufficient to determine the role of this variant in disease. Therefore, it has been classified as a Variant of Uncertain Significance.

NM_001103.4(ACTN2):c.2042A>C (p.Tyr681Ser)

Gene: ACTN2 (actinin alpha 2; plus strand). Cytogenetic location: 1q43.
Variant type: single nucleotide variant.
Coding change: c.2042A>C on transcript NM_001103.4 (MANE Select); coding-DNA position 2042, A replaced by C.
Protein change: p.Tyr681Ser; replaces tyrosine 681 with serine.
Molecular consequence: missense variant. On other transcripts: non-coding transcript variant (1).
Genome position (GRCh38, 1-based): chr1:236,755,086, A>C. VCF-style: chr1-236755086-A-C. GRCh37 (hg19) VCF-style: chr1-236918386-A-C.
Other names: c.2042A>C, p.Tyr681Ser (NM_001278343.2); short protein forms Y681S.
Identifiers: ClinVar variation 3755345 (VCV003755345.2).